The following is an entry in ClinVar:

NM_033100.4(CDHR1):c.694G>C (p.Val232Leu)

Gene: CDHR1 (cadherin related family member 1; plus strand). Cytogenetic location: 10q23.1.
Variant type: single nucleotide variant.
Coding change: c.694G>C on transcript NM_033100.4 (MANE Select); coding-DNA position 694, G replaced by C.
Protein change: p.Val232Leu; replaces valine 232 with leucine.
Molecular consequence: missense variant.
Genome position (GRCh38, 1-based): chr10:84,203,034, G>C. VCF-style: chr10-84203034-G-C. GRCh37 (hg19) VCF-style: chr10-85962790-G-C.
Other names: c.694G>C (NM_033100.2); c.694G>C, p.Val232Leu (NM_001171971.3); short protein forms V232L.
Identifiers: ClinVar variation 1448189 (VCV001448189.7), dbSNP rs144979632, ClinGen allele CA5579647.
Genomic context (GRCh38, chr10:84,203,034, plus strand): 5'-CTGCAGGATGGCGGTGGGAGGCTTCATGGGGCTGATGTGGTGTTCTCAGCCACCACCACG[G>C]TCACGGTCAATGTGGAGGATGTTCAGGACATGGCCCCTGTCTTCGTGGGCACACCCTACT-3'
Protein context (NP_149091.1, residues 222-242): ADVVFSATTT[Val232Leu]TVNVEDVQDM

ClinVar aggregate classification (germline): Uncertain significance. Review status: criteria provided, multiple submitters, no conflicts (2 of 4 stars). 3 submissions from 3 submitters: Uncertain significance (3). Last evaluated 2025-11-11.

Conditions:
Inborn genetic diseases. Identifiers: MedGen C0950123, MeSH D030342.

Allele frequency attached by ClinVar (database versions not stated): ExAC 0.00002; gnomAD exomes 0.00003; gnomAD 0.00007 and 0.00009; ESP Exome Variant Server 0.00008; TOPMed 0.00014; 1000 Genomes Project 30x 0.00016; 1000 Genomes Project 0.00020.
gnomAD v4.1: 29 of 1,614,212 alleles (0.0018%); highest among the groups gnomAD compares: African/African-American, 0.025%; no homozygotes.

Submissions (3):

Ambry Genetics
Classification: Uncertain significance for Inborn genetic diseases. Last evaluated: 2025-11-11. Review status: criteria provided, single submitter. Criteria: Ambry Variant Classification Scheme 2023. Collection method: clinical testing. Allele origin: germline.

Blueprint Genetics
Classification: Uncertain significance. Last evaluated: 2024-01-30. Review status: criteria provided, single submitter. Criteria: ACMG Guidelines, 2015. Collection method: clinical testing. Allele origin: germline.

Labcorp Genetics (formerly Invitae), Labcorp
Classification: Uncertain significance. Last evaluated: 2022-08-23. Review status: criteria provided, single submitter. Criteria: Invitae Variant Classification Sherloc (09022015). Collection method: clinical testing. Allele origin: germline.
Comment: This sequence change replaces valine, which is neutral and non-polar, with leucine, which is neutral and non-polar, at codon 232 of the CDHR1 protein (p.Val232Leu). This variant is present in population databases (rs144979632, gnomAD 0.03%). This variant has not been reported in the literature in individuals affected with CDHR1-related conditions. ClinVar contains an entry for this variant (Variation ID: 1448189). Advanced modeling of protein sequence and biophysical properties (such as structural, functional, and spatial information, amino acid conservation, physicochemical variation, residue mobility, and thermodynamic stability) performed at Invitae indicates that this missense variant is not expected to disrupt CDHR1 protein function. In summary, the available evidence is currently insufficient to determine the role of this variant in disease. Therefore, it has been classified as a Variant of Uncertain Significance.